The following is an entry in ClinVar:

ClinVar aggregate classification (germline): Uncertain significance (1 of 4 stars; one submission).

Conditions:
YWHAZ-related disorder. Also called: YWHAZ-related condition.

Submission:

Greenwood Genetic Center Diagnostic Laboratories, Greenwood Genetic Center
Classification: Uncertain significance for YWHAZ-related disorder. Last evaluated: 2025-10-16. Review status: criteria provided, single submitter. Criteria: ACMG Guidelines, 2015. Collection method: clinical testing. Allele origin: germline. Affected: yes.
Comment: Gene of Uncertain Significance

NM_145690.3(YWHAZ):c.123_160dup (p.Ala54delinsGlyIlePheSerGlnLeuLeuIleLysMetLeuTer)

Gene: YWHAZ (tyrosine 3-monooxygenase/tryptophan 5-monooxygenase activation protein zeta; minus strand). Cytogenetic location: 8q22.3.
Variant type: Duplication.
Coding change: c.123_160dup on transcript NM_145690.3 (MANE Select); coding-DNA positions 123 to 160, 38 bases duplicated.
Protein change: p.Ala54delinsGlyIlePheSerGlnLeuLeuIleLysMetLeuTer.
Molecular consequence: nonsense.
Genome position (GRCh38, 1-based): chr8:100,948,730-100,948,767, 38 bases duplicated; duplicating any 38 consecutive bases within chr8:100,948,730-100,948,770 gives the same sequence; the c. name uses the placement nearest the transcript's 3' end. GRCh37 (hg19): chr8:101,960,961-101,960,998.
Other names: c.123_160dup, p.Ala54delinsGlyIlePheSerGlnLeuLeuIleLysMetLeuTer (NM_001135699.2, NM_001135700.2, NM_001135701.2 and 2 more transcripts).
Identifiers: ClinVar variation 4685451 (VCV004685451.1).